The following is an entry in ClinVar:

NM_000432.4(MYL2):c.93+4G>A

Genes: MYL2 (myosin light chain 2; minus strand), LOC114827850 (VISTA enhancer hs2149; plus strand). Cytogenetic location: 12q24.11.
Variant type: single nucleotide variant.
Coding change: c.93+4G>A on transcript NM_000432.4 (MANE Select); 4 bases into the intron after coding-DNA position 93, G replaced by A.
Molecular consequence: intron variant.
Genome position (GRCh38, 1-based): chr12:110,919,100, C>T on the plus strand (G>A on the coding strand, the complement: MYL2 is on the minus strand). VCF-style: chr12-110919100-C-T. GRCh37 (hg19) VCF-style: chr12-111356904-C-T.
Other names: c.93+4G>A (NM_000432.3).
Identifiers: ClinVar variation 1519000 (VCV001519000.7), dbSNP rs1452586267, ClinGen allele CA607330666.

ClinVar aggregate classification (germline): Uncertain significance. Review status: criteria provided, multiple submitters, no conflicts (2 of 4 stars). 2 submissions from 2 submitters: Uncertain significance (2). Last evaluated 2025-04-06.

Conditions:
Cardiovascular phenotype. Identifiers: MedGen CN230736.
Hypertrophic cardiomyopathy 10. Also called: CARDIOMYOPATHY, HYPERTROPHIC, MID-LEFT VENTRICULAR CHAMBER TYPE, 2; MYL2-Related Familial Hypertrophic Cardiomyopathy. Identifiers: MedGen C1834460, MONDO:0012112, OMIM 608758.

Allele frequency attached by ClinVar (database versions not stated): gnomAD exomes below 0.00001; TOPMed below 0.00001.

Submissions (2):

Ambry Genetics
Classification: Uncertain significance for Cardiovascular phenotype. Last evaluated: 2025-04-06. Review status: criteria provided, single submitter. Criteria: Ambry Variant Classification Scheme 2023. Collection method: clinical testing. Allele origin: germline.
Comment: The c.93+4G>A intronic variant results from a G to A substitution 4 nucleotides after coding exon 2 in the MYL2 gene. This nucleotide position is not well conserved in available vertebrate species. In silico splice site analysis predicts that this alteration will not have any significant effect on splicing. Based on the available evidence, the clinical significance of this variant remains unclear.

Labcorp Genetics (formerly Invitae), Labcorp
Classification: Uncertain significance for Hypertrophic cardiomyopathy 10. Last evaluated: 2024-10-07. Review status: criteria provided, single submitter. Criteria: Invitae Variant Classification Sherloc (09022015). Collection method: clinical testing. Allele origin: germline.
Comment: This sequence change falls in intron 2 of the MYL2 gene. It does not directly change the encoded amino acid sequence of the MYL2 protein. It affects a nucleotide within the consensus splice site. This variant is present in population databases (no rsID available, gnomAD 0.007%). This variant has not been reported in the literature in individuals affected with MYL2-related conditions. ClinVar contains an entry for this variant (Variation ID: 1519000). Variants that disrupt the consensus splice site are a relatively common cause of aberrant splicing (PMID: 17576681, 9536098). Algorithms developed to predict the effect of sequence changes on RNA splicing suggest that this variant is not likely to affect RNA splicing. In summary, the available evidence is currently insufficient to determine the role of this variant in disease. Therefore, it has been classified as a Variant of Uncertain Significance.

Literature cited by the submitters: PubMed 17576681 (cited by Labcorp Genetics (formerly Invitae), Labcorp); PubMed 9536098 (cited by Labcorp Genetics (formerly Invitae), Labcorp).